The following is an entry in ClinVar:

ClinVar aggregate classification (germline): Uncertain significance (1 of 4 stars; one submission).

Conditions:
Hereditary cancer-predisposing syndrome. Also called: Tumor predisposition; Hereditary Cancer Syndrome; Neoplastic Syndromes, Hereditary; Hereditary neoplastic syndrome. Identifiers: Orphanet 140162, MedGen C0027672, MeSH D009386, MONDO:0015356.

Allele frequency attached by ClinVar (database versions not stated): gnomAD exomes below 0.00001.
gnomAD v4.1: 1 of 1,614,112 alleles (0.000062%); highest among the groups gnomAD compares: Non-Finnish European, 0.000085%; no homozygotes.

Submission:

Ambry Genetics
Classification: Uncertain significance for Hereditary cancer-predisposing syndrome. Last evaluated: 2022-05-30. Review status: criteria provided, single submitter. Criteria: Ambry Variant Classification Scheme 2023. Collection method: clinical testing. Allele origin: germline.
Comment: The p.N875S variant (also known as c.2624A>G), located in coding exon 23 of the POLE gene, results from an A to G substitution at nucleotide position 2624. The asparagine at codon 875 is replaced by serine, an amino acid with highly similar properties. This amino acid position is conserved. In addition, this alteration is predicted to be tolerated by in silico analysis. Since supporting evidence is limited at this time, the clinical significance of this alteration remains unclear.

NM_006231.4(POLE):c.2624A>G (p.Asn875Ser)

Gene: POLE (DNA polymerase epsilon, catalytic subunit; minus strand). Cytogenetic location: 12q24.33.
Variant type: single nucleotide variant.
Coding change: c.2624A>G on transcript NM_006231.4 (MANE Select); coding-DNA position 2624, A replaced by G.
Protein change: p.Asn875Ser; replaces asparagine 875 with serine.
Molecular consequence: missense variant.
Genome position (GRCh38, 1-based): chr12:132,664,086, T>C on the plus strand (A>G on the coding strand, the complement: POLE is on the minus strand). VCF-style: chr12-132664086-T-C. GRCh37 (hg19) VCF-style: chr12-133240672-T-C.
Other names: short protein forms N875S.
Identifiers: ClinVar variation 1793982 (VCV001793982.2), dbSNP rs2542063169, ClinGen allele CA387395569.